The following is an entry in ClinVar:

ClinVar aggregate classification (germline): Conflicting classifications of pathogenicity. Review status: criteria provided, conflicting classifications (1 of 4 stars). 2 submissions from 2 submitters: Uncertain significance (1); Likely benign (1). Last evaluated 2025-09-11.

gnomAD v4.1: 9 of 1,614,184 alleles (0.00056%); highest among the groups gnomAD compares: South Asian, 0.0088%; no homozygotes.

Submissions (2):

Ambry Genetics
Classification: Likely benign. Last evaluated: 2025-09-11. Review status: criteria provided, single submitter. Criteria: Ambry Variant Classification Scheme 2023. Collection method: clinical testing. Allele origin: germline.

Labcorp Genetics (formerly Invitae), Labcorp
Classification: Uncertain significance. Last evaluated: 2025-09-07. Review status: criteria provided, single submitter. Criteria: Invitae Variant Classification Sherloc (09022015). Collection method: clinical testing. Allele origin: germline.
Comment: This sequence change replaces lysine, which is basic and polar, with threonine, which is neutral and polar, at codon 351 of the ARHGAP24 protein (p.Lys351Thr). This variant is present in population databases (no rsID available, gnomAD 0.006%). This variant has not been reported in the literature in individuals affected with ARHGAP24-related conditions. An algorithm developed to predict the effect of missense changes on protein structure and function (PolyPhen-2) suggests that this variant is likely to be disruptive. In summary, the available evidence is currently insufficient to determine the role of this variant in disease. Therefore, it has been classified as a Variant of Uncertain Significance.

NM_001025616.3(ARHGAP24):c.1052A>C (p.Lys351Thr)

Gene: ARHGAP24 (Rho GTPase activating protein 24; plus strand). Cytogenetic location: 4q21.23.
Variant type: single nucleotide variant.
Coding change: c.1052A>C on transcript NM_001025616.3 (MANE Select); coding-DNA position 1052, A replaced by C.
Protein change: p.Lys351Thr; replaces lysine 351 with threonine.
Molecular consequence: missense variant.
Genome position (GRCh38, 1-based): chr4:85,994,706, A>C. VCF-style: chr4-85994706-A-C. GRCh37 (hg19) VCF-style: chr4-86915859-A-C.
Other names: c.767A>C, p.Lys256Thr (NM_001042669.2); c.797A>C, p.Lys266Thr (NM_001287805.2); c.473A>C, p.Lys158Thr (NM_001346093.2); c.773A>C, p.Lys258Thr (NM_031305.3); short protein forms K351T, K266T, K158T, K256T, K258T.
Identifiers: ClinVar variation 4134687 (VCV004134687.2).